The following is an entry in ClinVar:

NM_000256.3(MYBPC3):c.3789G>A (p.Arg1263=)

Gene: MYBPC3 (myosin binding protein C3; minus strand). Cytogenetic location: 11p11.2.
Variant type: single nucleotide variant.
Coding change: c.3789G>A on transcript NM_000256.3 (MANE Select); coding-DNA position 3789, G replaced by A.
Protein change: p.Arg1263=; no amino-acid change (arginine 1263 retained).
Molecular consequence: synonymous variant.
Genome position (GRCh38, 1-based): chr11:47,332,097, C>T on the plus strand (G>A on the coding strand, the complement: MYBPC3 is on the minus strand). VCF-style: chr11-47332097-C-T. GRCh37 (hg19) VCF-style: chr11-47353648-C-T.
Identifiers: ClinVar variation 3071519 (VCV003071519.1), dbSNP rs2495735988, ClinGen allele CA474428823.
Genomic context (GRCh38, chr11:47,332,097, plus strand): 5'-CCATCTCCCAGGCCCTGGCCCCGAGGGCTCCTCACCTCGCACCTCCAGGCGGCACTCACA[C>T]CGTGCCTCGCCCTGTAAGTTGGTGGCCCTGCAGACATAGATGCCCCCGTCAAAGGGGCAG-3'
Protein context (NP_000247.2, residues 1253-1273): CRATNLQGEA[Arg1263=]CECRLEVRVP

ClinVar aggregate classification (germline): Uncertain significance (1 of 4 stars; one submission).

Conditions:
Hypertrophic cardiomyopathy. Also called: HYPERTROPHIC MYOCARDIOPATHY. Identifiers: Orphanet 217569, MedGen C0007194, MeSH D002312, MONDO:0005045, HP:0001639.

Submission:

All of Us Research Program, National Institutes of Health
Classification: Uncertain significance for Hypertrophic cardiomyopathy. Last evaluated: 2023-06-08. Review status: criteria provided, single submitter. Criteria: ACMG Guidelines, 2015. Collection method: clinical testing. Allele origin: germline. Inheritance: Autosomal dominant inheritance. Observed: 1 variant allele, 1 heterozygote.
Comment: This synonymous variant causes a nucleotide substitution but does not change the encoded amino acid at codon 1263 of the MYBPC3 protein. Splice site prediction tools suggest that this variant may have a significant impact on RNA splicing, although this prediction has not been confirmed in published RNA studies. To our knowledge, functional studies have not been reported for this variant. This variant has not been reported in individuals affected with MYBPC3-related disorders in the literature. This variant has not been identified in the general population by the Genome Aggregation Database (gnomAD). The available evidence is insufficient to determine the role of this variant in disease conclusively. Therefore, this variant is classified as a Variant of Uncertain Significance.

This study involves interpretation of variants in research participants for the purpose of population health screening. Participant phenotype was not available at the time of variant classification. Additional details can be found in publication PMID: 35346344, PMCID: PMC8962531